The following is an entry in ClinVar:

NM_020928.2(ZSWIM6):c.2890G>A (p.Val964Ile)

Gene: ZSWIM6 (zinc finger SWIM-type containing 6; plus strand). Cytogenetic location: 5q12.1.
Variant type: single nucleotide variant.
Coding change: c.2890G>A on transcript NM_020928.2 (MANE Select); coding-DNA position 2890, G replaced by A.
Protein change: p.Val964Ile; replaces valine 964 with isoleucine.
Molecular consequence: missense variant.
Genome position (GRCh38, 1-based): chr5:61,543,559, G>A. VCF-style: chr5-61543559-G-A. GRCh37 (hg19) VCF-style: chr5-60839386-G-A.
Other names: short protein forms V964I.
Identifiers: ClinVar variation 1397342 (VCV001397342.28), dbSNP rs774718702, ClinGen allele CA119664249.

ClinVar aggregate classification (germline): Benign/Likely benign. Review status: criteria provided, multiple submitters, no conflicts (2 of 4 stars). 2 submissions from 2 submitters: Benign (1); Likely benign (1). Last evaluated 2025-09-02.

Allele frequency attached by ClinVar (database versions not stated): TOPMed 0.00003; gnomAD 0.00004; gnomAD exomes 0.00004; 1000 Genomes Project 30x 0.00016.
gnomAD v4.1: 143 of 1,551,526 alleles (0.0092%); highest among the groups gnomAD compares: Non-Finnish European, 0.011%; 1 homozygote.

Submissions (2):

Labcorp Genetics (formerly Invitae), Labcorp
Classification: Benign. Last evaluated: 2025-09-02. Review status: criteria provided, single submitter. Criteria: Invitae Variant Classification Sherloc (09022015). Collection method: clinical testing. Allele origin: germline.

CeGaT Center for Human Genetics Tuebingen
Classification: Likely benign. Last evaluated: 2023-11-01. Review status: criteria provided, single submitter. Criteria: CeGaT Center For Human Genetics Tuebingen Variant Classification Criteria Version 2. Collection method: clinical testing. Allele origin: germline. Affected: yes. Observed: 1 variant allele.
Comment: ZSWIM6: BS1